The following is an entry in ClinVar:

ClinVar aggregate classification (germline): Uncertain significance (1 of 4 stars; one submission).

gnomAD v4.1: 1 of 1,590,354 alleles (0.000063%); highest among the groups gnomAD compares: Non-Finnish European, 0.000086%; no homozygotes.

Submission:

Ambry Genetics
Classification: Uncertain significance. Last evaluated: 2025-07-12. Review status: criteria provided, single submitter. Criteria: Ambry Variant Classification Scheme 2023. Collection method: clinical testing. Allele origin: germline.
Comment: The p.Q577H variant (also known as c.1731G>T), located in coding exon 8 of the RNF43 gene, results from a G to T substitution at nucleotide position 1731. The glutamine at codon 577 is replaced by histidine, an amino acid with highly similar properties. This amino acid position is conserved. In addition, this alteration is predicted to be tolerated by in silico analysis. Based on the available evidence, the clinical significance of this variant remains unclear.

NM_017763.6(RNF43):c.1731G>T (p.Gln577His)

Gene: RNF43 (ring finger protein 43; minus strand). Cytogenetic location: 17q22.
Variant type: single nucleotide variant.
Coding change: c.1731G>T on transcript NM_017763.6 (MANE Select); coding-DNA position 1731, G replaced by T.
Protein change: p.Gln577His; replaces glutamine 577 with histidine.
Molecular consequence: missense variant.
Genome position (GRCh38, 1-based): chr17:58,358,045, C>A on the plus strand (G>T on the coding strand, the complement: RNF43 is on the minus strand). VCF-style: chr17-58358045-C-A. GRCh37 (hg19) VCF-style: chr17-56435406-C-A.
Other names: c.1731G>T, p.Gln577His (NM_001305544.3, NM_001438820.1, NM_001438821.1 and 1 more transcripts); c.1350G>T, p.Gln450His (NM_001305545.2, NM_001437987.1); short protein forms Q450H, Q577H.
Identifiers: ClinVar variation 4155742 (VCV004155742.1).